The following is an entry in ClinVar:

ClinVar aggregate classification (germline): Benign (0 of 4 stars; one submission).

Conditions:
NCOR1-related disorder. Also called: NCOR1-related condition.

Allele frequency attached by ClinVar (database versions not stated): gnomAD exomes 0.00041; ExAC 0.00139; 1000 Genomes Project 0.00359; 1000 Genomes Project 30x 0.00390; gnomAD 0.00427; TOPMed 0.00484; ESP Exome Variant Server 0.00507.
gnomAD v4.1: 1,274 of 1,614,144 alleles (0.079%); highest among the groups gnomAD compares: African/African-American, 1.5%; 12 homozygotes.

Submission:

PreventionGenetics, part of Exact Sciences
Classification: Benign for NCOR1-related condition. Last evaluated: 2019-04-02. Review status: no assertion criteria provided. Collection method: clinical testing. Allele origin: germline.
Comment: This variant is classified as benign based on ACMG/AMP sequence variant interpretation guidelines (Richards et al. 2015 PMID: 25741868, with internal and published modifications).

NM_006311.4(NCOR1):c.2445C>T (p.Pro815=)

Gene: NCOR1 (nuclear receptor corepressor 1; minus strand). Cytogenetic location: 17p11.2.
Variant type: single nucleotide variant.
Coding change: c.2445C>T on transcript NM_006311.4 (MANE Select); coding-DNA position 2445, C replaced by T.
Protein change: p.Pro815=; no amino-acid change (proline 815 retained).
Molecular consequence: synonymous variant.
Genome position (GRCh38, 1-based): chr17:16,101,495, G>A on the plus strand (C>T on the coding strand, the complement: NCOR1 is on the minus strand). VCF-style: chr17-16101495-G-A. GRCh37 (hg19) VCF-style: chr17-16004809-G-A.
Other names: c.2166C>T, p.Pro722= (NM_001190438.2); c.2493C>T, p.Pro831= (NM_001190440.2).
Identifiers: ClinVar variation 3055775 (VCV003055775.2), dbSNP rs139942816, ClinGen allele CA8409034.